The following is an entry in ClinVar:

ClinVar aggregate classification (germline): Pathogenic (1 of 4 stars; one submission).

Conditions:
Hereditary nonpolyposis colorectal neoplasms. Identifiers: MedGen C0009405, MeSH D003123.

Submission:

Labcorp Genetics (formerly Invitae), Labcorp
Classification: Pathogenic for Hereditary nonpolyposis colon cancer. Last evaluated: 2018-02-19. Review status: criteria provided, single submitter. Criteria: Invitae Variant Classification Sherloc (09022015). Collection method: clinical testing. Allele origin: germline.
Comment: This variant is an out-of-frame deletion of the genomic region encompassing exon 8 of the PMS2 gene. This creates a premature translational stop signal and is expected to result in an absent or disrupted protein product. Deletions of exon 8 have been reported in the literature in the heterozygous state in an individual affected with colorectal cancer (PMID: 18602922) and in the homozygous state in an individual with constitutional mismatch repair deficiency (PMID: 24440087). Loss-of-function variants in PMS2 are known to be pathogenic (PMID: 21376568, 24362816). For these reasons, this variant has been classified as Pathogenic.

Literature cited by the submitters: PubMed 18602922; PubMed 24440087.

NC_000007.14:g.(?_5995528)_(5995639_?)del

Gene: PMS2 (PMS1 homolog 2, mismatch repair system component; minus strand). Cytogenetic location: 7p22.1.
Variant type: Deletion.
Identifiers: ClinVar variation 455102 (VCV000455102.1).